The following is an entry in ClinVar:

ClinVar aggregate classification (germline): Uncertain significance (1 of 4 stars; one submission).

Conditions:
Pulmonary fibrosis and/or bone marrow failure, Telomere-related, 3. Also called: PULMONARY FIBROSIS AND/OR BONE MARROW FAILURE SYNDROME, TELOMERE-RELATED, 3. Identifiers: Orphanet 2032, MedGen C4225346, MONDO:0014613, OMIM 616373.
Dyskeratosis congenita, autosomal recessive 5 (DKCB5). Identifiers: MedGen C3554656, MONDO:0014076, OMIM 615190.

Submission:

Labcorp Genetics (formerly Invitae), Labcorp
Classification: Uncertain significance for Dyskeratosis congenita, autosomal recessive 5; Pulmonary fibrosis and/or bone marrow failure, Telomere-related, 3. Last evaluated: 2020-01-23. Review status: criteria provided, single submitter. Criteria: Invitae Variant Classification Sherloc (09022015). Collection method: clinical testing. Allele origin: germline.
Comment: In summary, the available evidence is currently insufficient to determine the role of this variant in disease. Therefore, it has been classified as a Variant of Uncertain Significance. Algorithms developed to predict the effect of missense changes on protein structure and function are either unavailable or do not agree on the potential impact of this missense change (SIFT: "Tolerated"; PolyPhen-2: "Possibly Damaging"; Align-GVGD: "Class C0"). This variant has not been reported in the literature in individuals with RTEL1-related conditions. This variant is not present in population databases (ExAC no frequency). This sequence change replaces phenylalanine with serine at codon 1110 of the RTEL1 protein (p.Phe1110Ser). The phenylalanine residue is weakly conserved and there is a large physicochemical difference between phenylalanine and serine.

NM_001283009.2(RTEL1):c.3329T>C (p.Phe1110Ser)

Genes: RTEL1 (regulator of telomere elongation helicase 1; plus strand), RTEL1-TNFRSF6B (RTEL1-TNFRSF6B readthrough (NMD candidate); plus strand). Cytogenetic location: 20q13.33.
Variant type: single nucleotide variant.
Coding change: c.3329T>C on transcript NM_001283009.2 (MANE Select); coding-DNA position 3329, T replaced by C.
Protein change: p.Phe1110Ser; replaces phenylalanine 1110 with serine.
Molecular consequence: missense variant. On other transcripts: non-coding transcript variant (1).
Genome position (GRCh38, 1-based): chr20:63,694,960, T>C. VCF-style: chr20-63694960-T-C. GRCh37 (hg19) VCF-style: chr20-62326313-T-C.
Other names: c.2660T>C, p.Phe887Ser (NM_001283010.1); c.3329T>C, p.Phe1110Ser (NM_016434.4); c.3401T>C, p.Phe1134Ser (NM_032957.5); short protein forms F1110S, F1134S, F887S.
Identifiers: ClinVar variation 1011129 (VCV001011129.13), dbSNP rs148621466, ClinGen allele CA409685196.